The following is an entry in ClinVar:

NM_000051.4(ATM):c.5779A>T (p.Ile1927Phe)

Genes: ATM (ATM serine/threonine kinase; plus strand), C11orf65 (chromosome 11 open reading frame 65; minus strand). Cytogenetic location: 11q22.3.
Variant type: single nucleotide variant.
Coding change: c.5779A>T on transcript NM_000051.4 (MANE Select); coding-DNA position 5779, A replaced by T.
Protein change: p.Ile1927Phe; replaces isoleucine 1927 with phenylalanine.
Molecular consequence: missense variant. On other transcripts: intron variant (2).
Genome position (GRCh38, 1-based): chr11:108,310,176, A>T. VCF-style: chr11-108310176-A-T. GRCh37 (hg19) VCF-style: chr11-108180903-A-T.
Other names: c.5779A>T, p.Ile1927Phe (NM_001351834.2); c.641-1105T>A (NM_001330368.2); c.*39-1105T>A (NM_001351110.2); short protein forms I1927F.
Identifiers: ClinVar variation 3720463 (VCV003720463.2).

ClinVar aggregate classification (germline): Uncertain significance (1 of 4 stars; one submission).

Conditions:
Ataxia-telangiectasia syndrome (AT). Also called: Ataxia-telangiectasia, complementation group D; AT, COMPLEMENTATION GROUP C; ATAXIA-TELANGIECTASIA, COMPLEMENTATION GROUP A; ATAXIA-TELANGIECTASIA, FRESNO VARIANT; Ataxia-telangiectasia; Ataxia-telangiectasia, complementation group E. Identifiers: Orphanet 100, MedGen C0004135, MONDO:0008840, OMIM 208900.

Submission:

Labcorp Genetics (formerly Invitae), Labcorp
Classification: Uncertain significance for Ataxia-telangiectasia syndrome. Last evaluated: 2024-11-22. Review status: criteria provided, single submitter. Criteria: Invitae Variant Classification Sherloc (09022015). Collection method: clinical testing. Allele origin: germline.
Comment: This sequence change replaces isoleucine, which is neutral and non-polar, with phenylalanine, which is neutral and non-polar, at codon 1927 of the ATM protein (p.Ile1927Phe). This variant is not present in population databases (gnomAD no frequency). This variant has not been reported in the literature in individuals affected with ATM-related conditions. Invitae Evidence Modeling of protein sequence and biophysical properties (such as structural, functional, and spatial information, amino acid conservation, physicochemical variation, residue mobility, and thermodynamic stability) indicates that this missense variant is not expected to disrupt ATM protein function with a negative predictive value of 95%. In summary, the available evidence is currently insufficient to determine the role of this variant in disease. Therefore, it has been classified as a Variant of Uncertain Significance.